The following is an entry in ClinVar:

NM_001267550.2(TTN):c.101165C>T (p.Thr33722Ile)

Genes: TTN-AS1 (TTN antisense RNA 1; plus strand), TTN (titin; minus strand). Cytogenetic location: 2q31.2.
Variant type: single nucleotide variant.
Coding change: c.101165C>T on transcript NM_001267550.2 (MANE Select); coding-DNA position 101165, C replaced by T.
Protein change: p.Thr33722Ile; replaces threonine 33722 with isoleucine.
Molecular consequence: missense variant.
Genome position (GRCh38, 1-based): chr2:178,535,450, G>A on the plus strand (C>T on the coding strand, the complement: TTN is on the minus strand). VCF-style: chr2-178535450-G-A. GRCh37 (hg19) VCF-style: chr2-179400177-G-A.
Other names: c.96242C>T, p.Thr32081Ile (NM_001256850.1); c.73970C>T, p.Thr24657Ile (NM_003319.4); c.93461C>T, p.Thr31154Ile (NM_133378.4); c.74345C>T, p.Thr24782Ile (NM_133432.3); c.74546C>T, p.Thr24849Ile (NM_133437.4); short protein forms T24657I, T24782I, T31154I, T32081I, T33722I, T24849I.
Identifiers: ClinVar variation 1034873 (VCV001034873.12), dbSNP rs1372744849, ClinGen allele CA349421468.
Genomic context (GRCh38, chr2:178,535,450, plus strand): 5'-GCCTGTCCTACACGGAGCCATCTTTCTGCAGTAGTTGCACATTTTTCAACAATGTAGTTG[G>A]TGATTTTGCTGCCACCATCAGAGGCTGGCTCAGTCCATGTTAAGTTGACAGAATCTCGTG-3'
Protein context (NP_001254479.2, residues 33712-33732): EPASDGGSKI[Thr33722Ile]NYIVEKCATT

ClinVar aggregate classification (germline): Uncertain significance (1 of 4 stars; one submission).

Conditions:
Dilated cardiomyopathy 1G (CMD1G). Identifiers: Orphanet 154, MedGen C1858763, MONDO:0011400, OMIM 604145.
Autosomal recessive limb-girdle muscular dystrophy type 2J (LGMDR10). Also called: Limb-girdle muscular dystrophy, type 2J; MUSCULAR DYSTROPHY, LIMB-GIRDLE, AUTOSOMAL RECESSIVE 10. Identifiers: Orphanet 140922, MedGen C1837342, MONDO:0012127, OMIM 608807.

Allele frequency attached by ClinVar (database versions not stated): TOPMed below 0.00001; gnomAD 0.00001.
gnomAD v4.1: 2 of 1,613,764 alleles (0.00012%); highest among the groups gnomAD compares: African/African-American, 0.0013%; no homozygotes.

Submission:

Labcorp Genetics (formerly Invitae), Labcorp
Classification: Uncertain significance for Dilated cardiomyopathy 1G; Autosomal recessive limb-girdle muscular dystrophy type 2J. Last evaluated: 2025-05-09. Review status: criteria provided, single submitter. Criteria: Invitae Variant Classification Sherloc (09022015). Collection method: clinical testing. Allele origin: germline.
Comment: This sequence change replaces threonine, which is neutral and polar, with isoleucine, which is neutral and non-polar, at codon 33722 of the TTN protein (p.Thr33722Ile). This variant is not present in population databases (gnomAD no frequency). This variant has not been reported in the literature in individuals affected with TTN-related conditions. ClinVar contains an entry for this variant (Variation ID: 1034873). Experimental studies and prediction algorithms are not available or were not evaluated, and the functional significance of this variant is currently unknown. This variant is located in the M band of TTN (PMID: 25589632). Non-truncating variants in this region may be relevant for neuromuscular disorders, but have not been definitively shown to cause cardiomyopathy (PMID: 23975875). In summary, the available evidence is currently insufficient to determine the role of this variant in disease. Therefore, it has been classified as a Variant of Uncertain Significance.

Literature cited by the submitters: PubMed 25589632; PubMed 23975875.